The following is an entry in ClinVar:

ClinVar aggregate classification (germline): Uncertain significance (0 of 4 stars; one submission).

Conditions:
EP300-related disorder. Also called: EP300-related disorders; EP300-related condition.

gnomAD v4.1: 1 of 1,614,136 alleles (0.000062%); highest among the groups gnomAD compares: African/African-American, 0.0013%; no homozygotes.

Submission:

PreventionGenetics, part of Exact Sciences
Classification: Uncertain significance for EP300-related condition. Last evaluated: 2024-09-04. Review status: no assertion criteria provided. Collection method: clinical testing. Allele origin: germline.
Comment: The EP300 c.6587G>C variant is predicted to result in the amino acid substitution p.Gly2196Ala. To our knowledge, this variant has not been reported in the literature or in a large population database, indicating this variant is rare. At this time, the clinical significance of this variant is uncertain due to the absence of conclusive functional and genetic evidence.

NM_001429.4(EP300):c.6587G>C (p.Gly2196Ala)

Gene: EP300 (E1A binding protein p300; plus strand). Cytogenetic location: 22q13.2.
Variant type: single nucleotide variant.
Coding change: c.6587G>C on transcript NM_001429.4 (MANE Select); coding-DNA position 6587, G replaced by C.
Protein change: p.Gly2196Ala; replaces glycine 2196 with alanine.
Molecular consequence: missense variant.
Genome position (GRCh38, 1-based): chr22:41,178,298, G>C. VCF-style: chr22-41178298-G-C. GRCh37 (hg19) VCF-style: chr22-41574302-G-C.
Other names: c.6509G>C, p.Gly2170Ala (NM_001362843.2); short protein forms G2170A, G2196A.
Identifiers: ClinVar variation 3347750 (VCV003347750.1).
Genomic context (GRCh38, chr22:41,178,298, plus strand): 5'-CTTCACAATTCCGAGACATCTTGAGACGACAGCAAATGATGCAACAGCAGCAGCAACAGG[G>C]AGCAGGGCCAGGAATAGGCCCTGGAATGGCCAACCATAACCAGTTCCAGCAACCCCAAGG-3'
Protein context (NP_001420.2, residues 2186-2206): QQMMQQQQQQ[Gly2196Ala]AGPGIGPGMA